The following is an entry in ClinVar:

ClinVar aggregate classification (germline): Uncertain significance. Review status: criteria provided, multiple submitters, no conflicts (2 of 4 stars). 3 submissions from 3 submitters: Uncertain significance (3). Last evaluated 2020-04-04.

Conditions:
Muscular dystrophy-dystroglycanopathy (congenital with brain and eye anomalies), type A1 (MDDGA1). Also called: Muscular dystrophy-dystroglycanopathy (congenital with brain and eye anomalies), type A, 1; WALKER-WARBURG SYNDROME OR MUSCLE-EYE-BRAIN DISEASE, POMT1-RELATED; Hydrocephalus, agyria and retinal dysplasia; Hard +/- E syndrome; Warburg syndrome; Chemke syndrome. Identifiers: Orphanet 588, Orphanet 899, MedGen C4284790, MONDO:0009364, OMIM 236670.

gnomAD v4.1: 1 of 1,614,242 alleles (0.000062%); no homozygotes.

Submissions (3):

Kariminejad - Najmabadi Pathology & Genetics Center
Classification: Uncertain significance. Last evaluated: 2020-04-04. Review status: criteria provided, single submitter. Criteria: ACMG Guidelines, 2015. Collection method: clinical testing. Allele origin: germline. Inheritance: Autosomal recessive inheritance. Affected: yes.
Comment: PM2, PP3, PM3_Supporting

CeGaT Center for Human Genetics Tuebingen
Classification: Uncertain significance. Last evaluated: 2019-12-01. Review status: criteria provided, single submitter. Criteria: CeGaT Center For Human Genetics Tuebingen Variant Classification Criteria Version 2. Collection method: clinical testing. Allele origin: germline. Affected: yes. Observed: 2 variant alleles.

Victorian Clinical Genetics Services, Murdoch Childrens Research Institute
Classification: Uncertain significance for Muscular dystrophy-dystroglycanopathy (congenital with brain and eye anomalies), type A1. Last evaluated: 2018-12-16. Review status: criteria provided, single submitter. Criteria: ACMG Guidelines, 2015. Collection method: clinical testing. Allele origin: paternal. Affected: yes. Observed: 2 variant alleles.
Comment: A heterozygous missense variant, NM_007171.3(POMT1):c.677T>C, has been identified in exon 8 of 20 of the POMT1 gene. This variant is predicted to result in an amino acid change of leucione to proline at position 226 of the protien, NP_009102.3(POMT1)p.(Leu226Pro). In silico predictions for this variant are consistently pathogenic (Polyphen, SIFT, CADD, Mutation Taster). The variant is absent in population databases (gnomAD, dbSNP, 1000G). The variant has been previously described with uncertain pathogenicity (ClinVar). Based on the information available at the time of curation, this variant has been classified as a VARIANT of UNCERTAIN SIGNIFICANCE (VUS).

NM_001077365.2(POMT1):c.677T>C (p.Leu226Pro)

Gene: POMT1 (protein O-mannosyltransferase 1; plus strand). Cytogenetic location: 9q34.13.
Variant type: single nucleotide variant.
Coding change: c.677T>C on transcript NM_001077365.2 (MANE Select); coding-DNA position 677, T replaced by C.
Protein change: p.Leu226Pro; replaces leucine 226 with proline.
Molecular consequence: missense variant. On other transcripts: non-coding transcript variant (10).
Genome position (GRCh38, 1-based): chr9:131,509,974, T>C. VCF-style: chr9-131509974-T-C. GRCh37 (hg19) VCF-style: chr9-134385361-T-C.
Other names: c.515T>C, p.Leu172Pro (NM_001077366.2, NM_001353194.2, NM_001353197.2 and 3 more transcripts); c.677T>C, p.Leu226Pro (NM_001136113.2, NM_001353193.2, NM_001374690.1 and 1 more transcripts); c.326T>C, p.Leu109Pro (NM_001136114.2, NM_001353195.2, NM_001353199.2 and 2 more transcripts); c.587T>C, p.Leu196Pro (NM_001353196.2); c.221T>C, p.Leu74Pro (NM_001353200.2, NM_001374695.1); short protein forms L226P, L109P, L196P, L74P, L172P.
Identifiers: ClinVar variation 444780 (VCV000444780.46), dbSNP rs1554774207, ClinGen allele CA375307415.